The following is an entry in ClinVar:

NM_006269.2(RP1):c.1954T>C (p.Cys652Arg)

Gene: RP1 (RP1 axonemal microtubule associated; plus strand). Cytogenetic location: 8q12.1.
Variant type: single nucleotide variant.
Coding change: c.1954T>C on transcript NM_006269.2 (MANE Select); coding-DNA position 1954, T replaced by C.
Protein change: p.Cys652Arg; replaces cysteine 652 with arginine.
Molecular consequence: missense variant. On other transcripts: intron variant (1).
Genome position (GRCh38, 1-based): chr8:54,625,836, T>C. VCF-style: chr8-54625836-T-C. GRCh37 (hg19) VCF-style: chr8-55538396-T-C.
Other names: c.787+3548T>C (NM_001375654.1); c.1954T>C (NM_006269.1); short protein forms C652R.
Identifiers: ClinVar variation 1348560 (VCV001348560.7), dbSNP rs781515012, ClinGen allele CA4751451.

ClinVar aggregate classification (germline): Uncertain significance. Review status: criteria provided, multiple submitters, no conflicts (2 of 4 stars). 2 submissions from 2 submitters: Uncertain significance (2). Last evaluated 2026-04-28.

Conditions:
Inborn genetic diseases. Identifiers: MedGen C0950123, MeSH D030342.

Allele frequency attached by ClinVar (database versions not stated): gnomAD 0.00001; TOPMed 0.00001; gnomAD exomes below 0.00001; ExAC 0.00001.
gnomAD v4.1: 3 of 1,613,402 alleles (0.00019%); highest among the groups gnomAD compares: Admixed American, 0.005%; no homozygotes.

Submissions (2):

Ambry Genetics
Classification: Uncertain significance for Inborn genetic diseases. Last evaluated: 2026-04-28. Review status: criteria provided, single submitter. Criteria: Ambry Variant Classification Scheme 2023. Collection method: clinical testing. Allele origin: germline.

Labcorp Genetics (formerly Invitae), Labcorp
Classification: Uncertain significance. Last evaluated: 2025-01-06. Review status: criteria provided, single submitter. Criteria: Invitae Variant Classification Sherloc (09022015). Collection method: clinical testing. Allele origin: germline.
Comment: This sequence change replaces cysteine, which is neutral and slightly polar, with arginine, which is basic and polar, at codon 652 of the RP1 protein (p.Cys652Arg). This variant is present in population databases (rs781515012, gnomAD 0.003%). This variant has not been reported in the literature in individuals affected with RP1-related conditions. ClinVar contains an entry for this variant (Variation ID: 1348560). An algorithm developed to predict the effect of missense changes on protein structure and function outputs the following: PolyPhen-2: "Benign". The arginine amino acid residue is found in multiple mammalian species, which suggests that this missense change does not adversely affect protein function. In summary, the available evidence is currently insufficient to determine the role of this variant in disease. Therefore, it has been classified as a Variant of Uncertain Significance.